The following continues an entry in ClinVar:

NM_001267550.2(TTN):c.16546G>T (p.Asp5516Tyr)

Gene: TTN. ClinVar aggregate classification (germline): Conflicting classifications of pathogenicity. Uncertain significance (7); Benign (2); Likely benign (12).

Submissions 14 to 21 of 21:

Illumina Laboratory Services, Illumina
Classification: Uncertain significance for Dilated cardiomyopathy 1G. Last evaluated: 2018-01-13. Review status: criteria provided, single submitter. Criteria: ICSL Variant Classification Criteria 13 December 2019. Collection method: clinical testing. Allele origin: germline.

Illumina Laboratory Services, Illumina
Classification: Uncertain significance for Early-onset myopathy with fatal cardiomyopathy. Last evaluated: 2018-01-13. Review status: criteria provided, single submitter. Criteria: ICSL Variant Classification Criteria 13 December 2019. Collection method: clinical testing. Allele origin: germline.

CHEO Genetics Diagnostic Laboratory, Children's Hospital of Eastern Ontario
Classification: Likely benign for Cardiomyopathy. Last evaluated: 2017-11-27. Review status: criteria provided, single submitter. Criteria: ACMG Guidelines, 2015. Collection method: clinical testing. Allele origin: germline.

GeneDx
Classification: Likely benign. Last evaluated: 2017-05-05. Review status: criteria provided, single submitter. Criteria: GeneDx Variant Classification (06012015). Collection method: clinical testing. Allele origin: germline. Affected: yes.
Comment: This variant is considered likely benign or benign based on one or more of the following criteria: it is a conservative change, it occurs at a poorly conserved position in the protein, it is predicted to be benign by multiple in silico algorithms, and/or has population frequency not consistent with disease.

Eurofins Ntd Llc (ga)
Classification: Uncertain significance. Last evaluated: 2015-07-09. Review status: criteria provided, single submitter. Criteria: EGL Classification Definitions 2015. Collection method: clinical testing. Allele origin: germline. Observed: 3 variant alleles, 3 heterozygotes.

Laboratory for Molecular Medicine, Mass General Brigham Personalized Medicine
Classification: Uncertain significance. Last evaluated: 2014-11-11. Review status: criteria provided, single submitter. Criteria: LMM Criteria. Collection method: clinical testing. Allele origin: germline. Observed: 3 variant alleles.
Comment: Variant classified as Uncertain Significance - Favor Benign. The p.Asp4272Tyr va riant in TTN has been identified by our laboratory in 2 adults with DCM, one of whom carried another pathogenic variant in TTN. This variant has been identified in 0.1% (11/8216) of European American chromosomes by the NHLBI Exome Sequencin g Project (dbSNP rs72648940). Computational p rediction tools and conservation analysis do not provide strong support for or a gainst an impact to the protein. In summary, while the clinical significance of the p.Asp4272Tyr variant is uncertain, its frequency suggests that it is more li kely to be benign.

Ambry Genetics
Classification: Likely benign for Cardiovascular phenotype. Last evaluated: 2013-09-13. Review status: criteria provided, single submitter. Criteria: Ambry Autosomal Dominant and X-Linked criteria (10/2015). Collection method: clinical testing. Allele origin: germline. Observed: 1 variant allele.

Biesecker Lab/Clinical Genomics Section, National Institutes of Health
Classification: Likely benign. Last evaluated: 2013-06-24. Review status: criteria provided, single submitter. Criteria: Ng et al. (Circ Cardiovasc Genet. 2013). Collection method: research. Allele origin: unknown. Observed: 2 variant alleles. Study: ClinSeq.
Comment: The study set was not selected for affection status in relation to any cancer. Pathogenicity categories were based on literature curation. See Pubmed ID:23861362 for details.

Medical sequencing

Literature cited by the submitters: PubMed 27662471 (cited by Women's Health and Genetics/Laboratory Corporation of America, LabCorp); PubMed 26516846 (cited by Women's Health and Genetics/Laboratory Corporation of America, LabCorp); PubMed 25448463 (cited by Women's Health and Genetics/Laboratory Corporation of America, LabCorp).